The following is an entry in ClinVar:

ClinVar aggregate classification (germline): Uncertain significance (1 of 4 stars; one submission).

Conditions:
Glucose-6-phosphate transport defect (GSD1B). Also called: Glycogen Storage Disease Type Ib; GSD Ib. Identifiers: Orphanet 364, Orphanet 79259, MedGen C0268146, MONDO:0009288, OMIM 232220.

Submission:

Labcorp Genetics (formerly Invitae), Labcorp
Classification: Uncertain significance for Glucose-6-phosphate transport defect. Last evaluated: 2024-09-24. Review status: criteria provided, single submitter. Criteria: Invitae Variant Classification Sherloc (09022015). Collection method: clinical testing. Allele origin: germline.
Comment: This sequence change replaces arginine, which is basic and polar, with glutamine, which is neutral and polar, at codon 415 of the SLC37A4 protein (p.Arg415Gln). This variant is present in population databases (rs782694611, gnomAD 0.02%). This variant has not been reported in the literature in individuals affected with SLC37A4-related conditions. Invitae Evidence Modeling of protein sequence and biophysical properties (such as structural, functional, and spatial information, amino acid conservation, physicochemical variation, residue mobility, and thermodynamic stability) indicates that this missense variant is not expected to disrupt SLC37A4 protein function with a negative predictive value of 80%. In summary, the available evidence is currently insufficient to determine the role of this variant in disease. Therefore, it has been classified as a Variant of Uncertain Significance.

NM_001164277.2(SLC37A4):c.1244G>A (p.Arg415Gln)

Gene: SLC37A4 (solute carrier family 37 member 4; minus strand). Cytogenetic location: 11q23.3.
Variant type: single nucleotide variant.
Coding change: c.1244G>A on transcript NM_001164277.2 (MANE Select); coding-DNA position 1244, G replaced by A.
Protein change: p.Arg415Gln; replaces arginine 415 with glutamine.
Molecular consequence: missense variant.
Genome position (GRCh38, 1-based): chr11:119,024,956, C>T on the plus strand (G>A on the coding strand, the complement: SLC37A4 is on the minus strand). VCF-style: chr11-119024956-C-T. GRCh37 (hg19) VCF-style: chr11-118895666-C-T.
Other names: c.1310G>A, p.Arg437Gln (NM_001164278.2); c.1025G>A, p.Arg342Gln (NM_001164279.2); c.1244G>A, p.Arg415Gln (NM_001164280.2, NM_001467.6); short protein forms R437Q, R342Q, R415Q.
Identifiers: ClinVar variation 3702632 (VCV003702632.2).